The following is an entry in ClinVar:

ClinVar aggregate classification (germline): Pathogenic (1 of 4 stars; one submission).

Conditions:
Arrhythmogenic cardiomyopathy with wooly hair and keratoderma. Also called: Dilated cardiomyopathy with woolly hair and keratoderma; PALMOPLANTAR KERATODERMA WITH LEFT VENTRICULAR CARDIOMYOPATHY AND WOOLLY HAIR; Carvajal syndrome; Arrhythmogenic cardiomyopathy with woolly hair and keratoderma. Identifiers: Orphanet 65282, MedGen C1854063, MONDO:0011581, OMIM 605676.
Arrhythmogenic right ventricular dysplasia 8 (ARVD8). Also called: Arrhythmogenic Right Ventricular Dysplasia/Cardiomyopathy 8; ARRHYTHMOGENIC RIGHT VENTRICULAR DYSPLASIA, FAMILIAL, 8; ARRHYTHMOGENIC RIGHT VENTRICULAR CARDIOMYOPATHY 8. Identifiers: MedGen C1843896, MONDO:0011831, OMIM 607450.

Submission:

Labcorp Genetics (formerly Invitae), Labcorp
Classification: Pathogenic for Arrhythmogenic cardiomyopathy with wooly hair and keratoderma; Arrhythmogenic right ventricular dysplasia 8. Last evaluated: 2023-06-05. Review status: criteria provided, single submitter. Criteria: Invitae Variant Classification Sherloc (09022015). Collection method: clinical testing. Allele origin: germline.
Comment: For these reasons, this variant has been classified as Pathogenic. This variant has not been reported in the literature in individuals affected with DSP-related conditions. This variant is not present in population databases (gnomAD no frequency). This sequence change creates a premature translational stop signal (p.Ala311Profs*6) in the DSP gene. It is expected to result in an absent or disrupted protein product. Loss-of-function variants in DSP are known to be pathogenic (PMID: 20716751, 24503780, 25227139).

Literature cited by the submitters: PubMed 20716751; PubMed 24503780; PubMed 25227139.

NM_004415.4(DSP):c.931del (p.Ala311fs)

Gene: DSP (desmoplakin; plus strand). Cytogenetic location: 6p24.3.
Variant type: Deletion.
Coding change: c.931del on transcript NM_004415.4 (MANE Select); coding-DNA position 931, one base deleted (G; older notation c.931delG).
Protein change: p.Ala311fs; shifts the reading frame from alanine 311.
Molecular consequence: frameshift variant.
Genome position (GRCh38, 1-based): chr6:7,565,512, G deleted; the last of 2 consecutive G bases (chr6:7,565,511-7,565,512); deleting either gives the same sequence. VCF-style (leftmost placement, unchanged base first): chr6-7565510-AG-A. GRCh37 (hg19) VCF-style: chr6-7565743-AG-A.
Other names: c.931del, p.Ala311fs (NM_001008844.3, NM_001319034.2, NM_001406591.1); short protein forms A311fs.
Identifiers: ClinVar variation 2948569 (VCV002948569.3), dbSNP rs2533872937, ClinGen allele CA2740094231.